The following is an entry in ClinVar:

ClinVar aggregate classification (germline): Pathogenic (1 of 4 stars; one submission).

Conditions:
Intellectual developmental disorder with or without epilepsy or cerebellar ataxia. Identifiers: MedGen C4748041, MONDO:0060745, OMIM 618060.

Submission:

Greenwood Genetic Center Diagnostic Laboratories, Greenwood Genetic Center
Classification: Pathogenic for Intellectual developmental disorder with or without epilepsy or cerebellar ataxia. Last evaluated: 2023-06-20. Review status: criteria provided, single submitter. Criteria: ACMG Guidelines, 2015. Collection method: clinical testing. Allele origin: germline. Affected: yes.
Comment: PVS1, PS2, PM2

NM_134261.3(RORA):c.424+1G>A

Genes: RORA (RAR related orphan receptor A; minus strand), RORA-AS1 (RORA antisense RNA 1; plus strand). Cytogenetic location: 15q22.2.
Variant type: single nucleotide variant.
Coding change: c.424+1G>A on transcript NM_134261.3 (MANE Select); the canonical splice donor site of the intron after coding-DNA position 424, G replaced by A.
Molecular consequence: splice donor variant.
Genome position (GRCh38, 1-based): chr15:60,514,615, C>T on the plus strand (G>A on the coding strand, the complement: RORA is on the minus strand). VCF-style: chr15-60514615-C-T. GRCh37 (hg19) VCF-style: chr15-60806814-C-T.
Other names: c.523+1G>A (NM_134260.3); c.499+1G>A (NM_002943.4); c.259+1G>A (NM_134262.3).
Identifiers: ClinVar variation 2572286 (VCV002572286.1), dbSNP rs2542073001, ClinGen allele CA392671520.
Genomic context (GRCh38, chr15:60,514,615, plus strand): 5'-GGTTTCAGAAGGCACTTTCACAACCCCGTGCAACTGTACAACTCAAGCTGTGAGAGCTCA[C>T]CATCTCGAGACATCCCTACGGCAAGGCATTTCTGTAATCGACAGTGTTGGCAGCGGTTTC-3'